The following is an entry in ClinVar:

ClinVar aggregate classification (germline): Uncertain significance (1 of 4 stars; one submission).

Submission:

Labcorp Genetics (formerly Invitae), Labcorp
Classification: Uncertain significance. Last evaluated: 2022-06-28. Review status: criteria provided, single submitter. Criteria: Invitae Variant Classification Sherloc (09022015). Collection method: clinical testing. Allele origin: germline.
Comment: This variant has not been reported in the literature in individuals affected with UNC80-related conditions. This variant is not present in population databases (gnomAD no frequency). This sequence change replaces aspartic acid, which is acidic and polar, with asparagine, which is neutral and polar, at codon 1401 of the UNC80 protein (p.Asp1401Asn). Algorithms developed to predict the effect of missense changes on protein structure and function are either unavailable or do not agree on the potential impact of this missense change (SIFT: "Not Available"; PolyPhen-2: "Possibly Damaging"; Align-GVGD: "Not Available"). In summary, the available evidence is currently insufficient to determine the role of this variant in disease. Therefore, it has been classified as a Variant of Uncertain Significance.

NM_001371986.1(UNC80):c.4195G>A (p.Asp1399Asn)

Gene: UNC80 (unc-80 homolog, NALCN channel complex subunit; plus strand). Cytogenetic location: 2q34.
Variant type: single nucleotide variant.
Coding change: c.4195G>A on transcript NM_001371986.1 (MANE Select); coding-DNA position 4195, G replaced by A.
Protein change: p.Asp1399Asn; replaces aspartic acid 1399 with asparagine.
Molecular consequence: missense variant.
Genome position (GRCh38, 1-based): chr2:209,888,179, G>A. VCF-style: chr2-209888179-G-A. GRCh37 (hg19) VCF-style: chr2-210752903-G-A.
Other names: c.4201G>A, p.Asp1401Asn (NM_032504.2); c.4186G>A, p.Asp1396Asn (NM_182587.4); short protein forms D1396N, D1399N, D1401N.
Identifiers: ClinVar variation 1464460 (VCV001464460.4), dbSNP rs2124907380, ClinGen allele CA350749867.